The following is an entry in ClinVar:

NM_004092.4(ECHS1):c.370dup (p.Thr124fs)

Gene: ECHS1 (enoyl-CoA hydratase, short chain 1; minus strand). Cytogenetic location: 10q26.3.
Variant type: Duplication.
Coding change: c.370dup on transcript NM_004092.4 (MANE Select); coding-DNA position 370, one base duplicated (A; older notation c.370dupA).
Protein change: p.Thr124fs; shifts the reading frame from threonine 124.
Molecular consequence: frameshift variant.
Genome position (GRCh38, 1-based): chr10:133,369,948, T duplicated on the plus strand (A on the coding strand, the reverse complement: ECHS1 is on the minus strand). VCF-style (leftmost placement, unchanged base first): chr10-133369947-G-GT. GRCh37 (hg19) VCF-style: chr10-135183451-G-GT.
Other names: short protein forms T124fs.
Identifiers: ClinVar variation 2032134 (VCV002032134.5), dbSNP rs2493842433, ClinGen allele CA2580082471.

ClinVar aggregate classification (germline): Pathogenic. Review status: criteria provided, multiple submitters, no conflicts (2 of 4 stars). 2 submissions from 2 submitters: Pathogenic (2). Last evaluated 2023-02-11.

Conditions:
Inborn genetic diseases. Identifiers: MedGen C0950123, MeSH D030342.

Submissions (2):

Labcorp Genetics (formerly Invitae), Labcorp
Classification: Pathogenic. Last evaluated: 2023-02-11. Review status: criteria provided, single submitter. Criteria: Invitae Variant Classification Sherloc (09022015). Collection method: clinical testing. Allele origin: germline.
Comment: This sequence change creates a premature translational stop signal (p.Thr124Asnfs*21) in the ECHS1 gene. It is expected to result in an absent or disrupted protein product. Loss-of-function variants in ECHS1 are known to be pathogenic (PMID: 25393721, 26000322, 27090768). This variant is not present in population databases (gnomAD no frequency). This variant has not been reported in the literature in individuals affected with ECHS1-related conditions. For these reasons, this variant has been classified as Pathogenic.

Ambry Genetics
Classification: Pathogenic for Inborn genetic diseases. Last evaluated: 2021-08-23. Review status: criteria provided, single submitter. Criteria: Ambry Variant Classification Scheme 2023. Collection method: clinical testing. Allele origin: germline.
Comment: The c.370dupA (p.T124Nfs*21) alteration, located in exon 3 (coding exon 3) of the ECHS1 gene, consists of a duplication of A at position 370, causing a translational frameshift with a predicted alternate stop codon after 21 amino acids. This alteration is expected to result in loss of function by premature protein truncation or nonsense-mediated mRNA decay. This variant was not reported in population-based cohorts in the Genome Aggregation Database (gnomAD). Based on the available evidence, this alteration is classified as pathogenic.

Literature cited by the submitters: PubMed 25393721 (cited by Labcorp Genetics (formerly Invitae), Labcorp); PubMed 26000322 (cited by Labcorp Genetics (formerly Invitae), Labcorp); PubMed 27090768 (cited by Labcorp Genetics (formerly Invitae), Labcorp).